The following is an entry in ClinVar:

ClinVar aggregate classification (germline): Uncertain significance (1 of 4 stars; one submission).

Submission:

Ambry Genetics
Classification: Uncertain significance. Last evaluated: 2025-05-11. Review status: criteria provided, single submitter. Criteria: Ambry Variant Classification Scheme 2023. Collection method: clinical testing. Allele origin: germline.
Comment: The p.I306N variant (also known as c.917T>A), located in coding exon 7 of the RINT1 gene, results from a T to A substitution at nucleotide position 917. The isoleucine at codon 306 is replaced by asparagine, an amino acid with dissimilar properties. This amino acid position is conserved. In addition, the in silico prediction for this alteration is inconclusive. Based on the available evidence, the clinical significance of this variant remains unclear.

NM_021930.6(RINT1):c.917T>A (p.Ile306Asn)

Gene: RINT1 (RAD50 interactor 1; plus strand). Cytogenetic location: 7q22.3.
Variant type: single nucleotide variant.
Coding change: c.917T>A on transcript NM_021930.6 (MANE Select); coding-DNA position 917, T replaced by A.
Protein change: p.Ile306Asn; replaces isoleucine 306 with asparagine.
Molecular consequence: missense variant. On other transcripts: 5 prime UTR variant (2), non-coding transcript variant (1), intron variant (1).
Genome position (GRCh38, 1-based): chr7:105,548,631, T>A. VCF-style: chr7-105548631-T-A. GRCh37 (hg19) VCF-style: chr7-105189078-T-A.
Other names: c.683T>A, p.Ile228Asn (NM_001346599.2); c.-103T>A (NM_001346600.2); c.-8T>A (NM_001346601.2); c.-27-1424T>A (NM_001346603.2); short protein forms I306N, I228N.
Identifiers: ClinVar variation 3945997 (VCV003945997.1).